The following is an entry in ClinVar:

ClinVar aggregate classification (germline): Likely benign (0 of 4 stars; one submission).

Conditions:
GNAS-related disorder. Identifiers: MedGen CN380105.

Allele frequency attached by ClinVar (database versions not stated): ExAC 0.00010; TOPMed 0.00029; 1000 Genomes Project 30x 0.00031; 1000 Genomes Project 0.00020.
gnomAD v4.1: 84 of 1,531,508 alleles (0.0055%); highest among the groups gnomAD compares: African/African-American, 0.11%; no homozygotes.

Submission:

PreventionGenetics, part of Exact Sciences
Classification: Likely benign for GNAS-related condition. Last evaluated: 2022-06-01. Review status: no assertion criteria provided. Collection method: clinical testing. Allele origin: germline.
Comment: This variant is classified as likely benign based on ACMG/AMP sequence variant interpretation guidelines (Richards et al. 2015 PMID: 25741868, with internal and published modifications).

NM_080425.4(GNAS):c.1440T>A (p.Ala480=)

Gene: GNAS (GNAS complex locus; plus strand). Cytogenetic location: 20q13.32.
Variant type: single nucleotide variant.
Coding change: c.1440T>A on transcript NM_080425.4 (MANE Plus Clinical); coding-DNA position 1440, T replaced by A.
Protein change: p.Ala480=; no amino-acid change (alanine 480 retained).
Molecular consequence: synonymous variant. On other transcripts: missense variant (2), intron variant (3).
Genome position (GRCh38, 1-based): chr20:58,854,705, T>A. VCF-style: chr20-58854705-T-A. GRCh37 (hg19) VCF-style: chr20-57429760-T-A.
Other names: c.1253T>A, p.Leu418Gln (NM_001077490.3, NM_001309883.1); c.1440T>A, p.Ala480= (NM_001410913.1); c.*42+13819T>A (NM_016592.5); c.43+13819T>A (NM_001410912.1); c.-39+12830T>A (NM_001309861.2); short protein forms L418Q.
Identifiers: ClinVar variation 3037976 (VCV003037976.2), dbSNP rs548840457, ClinGen allele CA9926688.